The following is an entry in ClinVar:

NM_001171613.2(PREPL):c.1521_1522dup (p.Leu508fs)

Gene: PREPL (prolyl endopeptidase like; minus strand). Cytogenetic location: 2p21.
Variant type: Microsatellite.
Coding change: c.1521_1522dup on transcript NM_001171613.2 (MANE Select); coding-DNA positions 1521 to 1522, 2 bases duplicated (AC; older notation c.1521_1522dupAC).
Protein change: p.Leu508fs; shifts the reading frame from leucine 508.
Molecular consequence: frameshift variant.
Genome position (GRCh38, 1-based): chr2:44,323,369-44,323,370, GT duplicated on the plus strand (AC on the coding strand, the reverse complement: PREPL is on the minus strand); duplicating any 2 consecutive bases within chr2:44,323,369-44,323,372 gives the same sequence; the c. name uses the placement nearest the transcript's 3' end. VCF-style (leftmost placement, unchanged base first): chr2-44323368-A-AGT. GRCh37 (hg19) VCF-style: chr2-44550507-A-AGT.
Other names: c.1788_1789dup, p.Leu597fs (NM_006036.4, NM_001171603.1, NM_001171606.2 and 2 more transcripts); c.1602_1603dup, p.Leu535fs (NM_001042385.2); c.1590_1591dup, p.Leu531fs (NM_001042386.2); c.1521_1522dup, p.Leu508fs (NM_001171617.1, NM_001374277.1); short protein forms L535fs, L508fs, L531fs, L597fs.
Identifiers: ClinVar variation 943784 (VCV000943784.7), dbSNP rs1355856142, ClinGen allele CA532703762.

ClinVar aggregate classification (germline): Pathogenic (1 of 4 stars; one submission).

Conditions:
Myasthenic syndrome, congenital, 22 (CMS22). Also called: PREPL DEFICIENCY. Identifiers: MedGen C4479088, MONDO:0044299, OMIM 616224.

Submission:

Labcorp Genetics (formerly Invitae), Labcorp
Classification: Pathogenic for Myasthenic syndrome, congenital, 22. Last evaluated: 2024-06-24. Review status: criteria provided, single submitter. Criteria: Invitae Variant Classification Sherloc (09022015). Collection method: clinical testing. Allele origin: germline.
Comment: This sequence change creates a premature translational stop signal (p.Leu597Hisfs*4) in the PREPL gene. It is expected to result in an absent or disrupted protein product. Loss-of-function variants in PREPL are known to be pathogenic (PMID: 24610330, 28726805, 29913539). This variant is present in population databases (no rsID available, gnomAD 0.0009%). This variant has not been reported in the literature in individuals affected with PREPL-related conditions. ClinVar contains an entry for this variant (Variation ID: 943784). For these reasons, this variant has been classified as Pathogenic.

Literature cited by the submitters: PubMed 24610330; PubMed 28726805; PubMed 29913539.